The following is an entry in ClinVar:

ClinVar aggregate classification (germline): Uncertain significance (1 of 4 stars; one submission).

gnomAD v4.1: 26 of 1,613,690 alleles (0.0016%); highest among the groups gnomAD compares: Admixed American, 0.0033%; no homozygotes.

Submission:

Labcorp Genetics (formerly Invitae), Labcorp
Classification: Uncertain significance. Last evaluated: 2025-11-10. Review status: criteria provided, single submitter. Criteria: Invitae Variant Classification Sherloc (09022015). Collection method: clinical testing. Allele origin: germline.
Comment: This sequence change creates a premature translational stop signal (p.Arg2095*) in the NIN gene. While this is not anticipated to result in nonsense mediated decay, it is expected to disrupt the last 39 amino acid(s) of the NIN protein. This variant is present in population databases (rs199921976, gnomAD 0.03%). This variant has not been reported in the literature in individuals affected with NIN-related conditions. In summary, the available evidence is currently insufficient to determine the role of this variant in disease. Therefore, it has been classified as a Variant of Uncertain Significance.

NM_020921.4(NIN):c.6283C>T (p.Arg2095Ter)

Gene: NIN (ninein; minus strand). Cytogenetic location: 14q22.1.
Variant type: single nucleotide variant.
Coding change: c.6283C>T on transcript NM_020921.4 (MANE Select); coding-DNA position 6283, C replaced by T.
Protein change: p.Arg2095Ter; replaces arginine 2095 with a stop codon.
Molecular consequence: nonsense.
Genome position (GRCh38, 1-based): chr14:50,723,582, G>A on the plus strand (C>T on the coding strand, the complement: NIN is on the minus strand). VCF-style: chr14-50723582-G-A. GRCh37 (hg19) VCF-style: chr14-51190300-G-A.
Other names: short protein forms R2095*.
Identifiers: ClinVar variation 4751899 (VCV004751899.1).